The following is an entry in ClinVar:

ClinVar aggregate classification (germline): Uncertain significance (1 of 4 stars; one submission).

Conditions:
Congenital anomaly of kidney and urinary tract. Also called: Congenital anomalies of the kidney and urinary tract; Congenital anomalies of kidney and urinary tract. Identifiers: Orphanet 93545, MedGen C1968949, MeSH C566906, MONDO:0019719.
Congenital heart disease (CHD). Identifiers: MedGen C0152021, MONDO:0005453. Disease mechanism: unknown.

Submission:

Institute Of Molecular Biology And Genetics, Federal Almazov National Medical Research Centre
Classification: Uncertain significance for Congenital heart disease; Congenital anomaly of kidney and urinary tract. Last evaluated: 2026-04-01. Review status: criteria provided, single submitter. Criteria: ACMG Guidelines, 2015. Collection method: clinical testing. Allele origin: germline. Affected: yes. Observed: 1 variant allele.
Comment: The missense variant NM_017802.4:c.505C>T replaces arginine (polar, positivelt charged) with cysteine (non-polar) at codon 169 of the DNAAF5 protein (p.Arg169Cys). The variat is absent in population databases (no allele frequency in gnomAD) (PM2). In summary, the available evidence is currently insufficient to determine the role of this variant in disease. Therefore, it has been classified as a Variant of Uncertain Significance.

NM_017802.4(DNAAF5):c.505C>T (p.Arg169Cys)

Genes: PRKAR1B (protein kinase cAMP-dependent type I regulatory subunit beta; minus strand), DNAAF5 (dynein axonemal assembly factor 5; plus strand), LOC129997731 (ATAC-STARR-seq lymphoblastoid silent region 17817; plus strand). Cytogenetic location: 7p22.3.
Variant type: single nucleotide variant.
Coding change: c.505C>T on transcript NM_017802.4 (MANE Select); coding-DNA position 505, C replaced by T.
Protein change: p.Arg169Cys; replaces arginine 169 with cysteine.
Molecular consequence: missense variant. On other transcripts: non-coding transcript variant (1), 5 prime UTR variant (1), intron variant (2).
Genome position (GRCh38, 1-based): chr7:727,225, C>T. VCF-style: chr7-727225-C-T. GRCh37 (hg19) VCF-style: chr7-766862-C-T.
Other names: p.Arg169Cys; c.-38G>A (NM_001164760.2); c.-23+430G>A (NM_001164759.1); c.-23+365G>A (NM_001164758.2); short protein forms R169C.
Identifiers: ClinVar variation 4820337 (VCV004820337.1).